The following is an entry in ClinVar:

ClinVar aggregate classification (germline): Uncertain significance (1 of 4 stars; one submission).

Conditions:
Inborn genetic diseases. Identifiers: MedGen C0950123, MeSH D030342.

Submission:

Ambry Genetics
Classification: Uncertain significance for Inborn genetic diseases. Last evaluated: 2025-12-17. Review status: criteria provided, single submitter. Criteria: Ambry Variant Classification Scheme 2023. Collection method: clinical testing. Allele origin: germline.
Comment: The p.W240R variant (also known as c.718T>A), located in coding exon 6 of the G6PC3 gene, results from a T to A substitution at nucleotide position 718. The tryptophan at codon 240 is replaced by arginine, an amino acid with dissimilar properties. This amino acid position is conserved. In addition, this alteration is predicted to be deleterious by in silico analysis. Based on the available evidence, the clinical significance of this variant remains unclear.

NM_138387.4(G6PC3):c.718T>A (p.Trp240Arg)

Gene: G6PC3 (glucose-6-phosphatase catalytic subunit 3; plus strand). Cytogenetic location: 17q21.31.
Variant type: single nucleotide variant.
Coding change: c.718T>A on transcript NM_138387.4 (MANE Select); coding-DNA position 718, T replaced by A.
Protein change: p.Trp240Arg; replaces tryptophan 240 with arginine.
Molecular consequence: missense variant. On other transcripts: 3 prime UTR variant (1).
Genome position (GRCh38, 1-based): chr17:44,075,720, T>A. VCF-style: chr17-44075720-T-A. GRCh37 (hg19) VCF-style: chr17-42153088-T-A.
Other names: c.*11T>A (NM_001319945.2); c.373T>A, p.Trp125Arg (NM_001384165.1, NM_001384166.1, NM_001384167.1 and 1 more transcripts); short protein forms W240R, W125R.
Identifiers: ClinVar variation 4843955 (VCV004843955.1).